The following is an entry in ClinVar:

NM_001999.4(FBN2):c.2711A>G (p.Asp904Gly)

Gene: FBN2 (fibrillin 2; minus strand). Cytogenetic location: 5q23.3.
Variant type: single nucleotide variant.
Coding change: c.2711A>G on transcript NM_001999.4 (MANE Select); coding-DNA position 2711, A replaced by G.
Protein change: p.Asp904Gly; replaces aspartic acid 904 with glycine.
Molecular consequence: missense variant.
Genome position (GRCh38, 1-based): chr5:128,350,969, T>C on the plus strand (A>G on the coding strand, the complement: FBN2 is on the minus strand). VCF-style: chr5-128350969-T-C. GRCh37 (hg19) VCF-style: chr5-127686661-T-C.
Other names: short protein forms D904G.
Identifiers: ClinVar variation 3637925 (VCV003637925.2).

ClinVar aggregate classification (germline): Uncertain significance (1 of 4 stars; one submission).

Conditions:
Congenital contractural arachnodactyly (CCA). Also called: BEALS SYNDROME; Arthrogryposis, distal, type 9; Beals-Hecht syndrome. Identifiers: Orphanet 115, MedGen C0220668, MONDO:0007363, OMIM 121050.

Submission:

Labcorp Genetics (formerly Invitae), Labcorp
Classification: Uncertain significance for Congenital contractural arachnodactyly. Last evaluated: 2024-01-31. Review status: criteria provided, single submitter. Criteria: Invitae Variant Classification Sherloc (09022015). Collection method: clinical testing. Allele origin: germline.
Comment: This sequence change replaces aspartic acid, which is acidic and polar, with glycine, which is neutral and non-polar, at codon 904 of the FBN2 protein (p.Asp904Gly). This variant is not present in population databases (gnomAD no frequency). This variant has not been reported in the literature in individuals affected with FBN2-related conditions. Advanced modeling of protein sequence and biophysical properties (such as structural, functional, and spatial information, amino acid conservation, physicochemical variation, residue mobility, and thermodynamic stability) performed at Invitae indicates that this missense variant is not expected to disrupt FBN2 protein function with a negative predictive value of 80%. In summary, the available evidence is currently insufficient to determine the role of this variant in disease. Therefore, it has been classified as a Variant of Uncertain Significance.